The following is an entry in ClinVar:

NM_000368.5(TSC1):c.2394G>A (p.Thr798=)

Gene: TSC1 (TSC complex subunit 1; minus strand). Cytogenetic location: 9q34.13.
Variant type: single nucleotide variant.
Coding change: c.2394G>A on transcript NM_000368.5 (MANE Select); coding-DNA position 2394, G replaced by A.
Protein change: p.Thr798=; no amino-acid change (threonine 798 retained).
Molecular consequence: synonymous variant.
Genome position (GRCh38, 1-based): chr9:132,901,697, C>T on the plus strand (G>A on the coding strand, the complement: TSC1 is on the minus strand). VCF-style: chr9-132901697-C-T. GRCh37 (hg19) VCF-style: chr9-135777084-C-T.
Other names: c.2391G>A, p.Thr797= (NM_001162426.2); c.2241G>A, p.Thr747= (NM_001162427.2); c.2031G>A, p.Thr677= (NM_001362177.2).
Identifiers: ClinVar variation 416682 (VCV000416682.19), dbSNP rs1060504860, ClinGen allele CA16612569.

ClinVar aggregate classification (germline): Benign/Likely benign. Review status: criteria provided, multiple submitters, no conflicts (2 of 4 stars). 4 submissions from 4 submitters: Benign (2); Likely benign (2). Last evaluated 2025-10-27.

Conditions:
Hereditary cancer-predisposing syndrome. Also called: Tumor predisposition; Neoplastic Syndromes, Hereditary; Hereditary Cancer Syndrome; Hereditary neoplastic syndrome. Identifiers: Orphanet 140162, MedGen C0027672, MeSH D009386, MONDO:0015356.
Tuberous sclerosis 1 (TSC1). Identifiers: Orphanet 805, MedGen C1854465, MONDO:0008612, OMIM 191100.

Allele frequency attached by ClinVar (database versions not stated): gnomAD exomes below 0.00001 and 0.00001; TOPMed below 0.00001.
gnomAD v4.1: 7 of 1,613,716 alleles (0.00043%); highest among the groups gnomAD compares: Middle Eastern, 0.016%; no homozygotes.

Submissions (4):

Labcorp Genetics (formerly Invitae), Labcorp
Classification: Likely benign for Tuberous sclerosis 1. Last evaluated: 2025-10-27. Review status: criteria provided, single submitter. Criteria: Invitae Variant Classification Sherloc (09022015). Collection method: clinical testing. Allele origin: germline.

Myriad Genetics, Inc.
Classification: Benign for Tuberous sclerosis 1. Last evaluated: 2025-04-25. Review status: criteria provided, single submitter. Criteria: Myriad Autosomal Dominant, Autosomal Recessive and X-Linked Classification Criteria (2023). Collection method: clinical testing. Allele origin: unknown.
Comment: This variant is considered benign. This variant is a silent/synonymous amino acid change and it is not expected to impact splicing.

Genome-Nilou Lab
Classification: Benign for Tuberous sclerosis 1. Last evaluated: 2021-11-07. Review status: criteria provided, single submitter. Criteria: ACMG Guidelines, 2015. Collection method: clinical testing. Allele origin: germline. Affected: no.

Ambry Genetics
Classification: Likely benign for Hereditary cancer-predisposing syndrome. Last evaluated: 2019-06-25. Review status: criteria provided, single submitter. Criteria: Ambry Variant Classification Scheme 2023. Collection method: clinical testing. Allele origin: germline.